The following is an entry in ClinVar:

NM_001267550.2(TTN):c.66870T>C (p.Pro22290=)

Genes: TTN (titin; minus strand), TTN-AS1 (TTN antisense RNA 1; plus strand). Cytogenetic location: 2q31.2.
Variant type: single nucleotide variant.
Coding change: c.66870T>C on transcript NM_001267550.2 (MANE Select); coding-DNA position 66870, T replaced by C.
Protein change: p.Pro22290=; no amino-acid change (proline 22290 retained).
Molecular consequence: synonymous variant.
Genome position (GRCh38, 1-based): chr2:178,580,509, A>G on the plus strand (T>C on the coding strand, the complement: TTN is on the minus strand). VCF-style: chr2-178580509-A-G. GRCh37 (hg19) VCF-style: chr2-179445236-A-G.
Other names: c.61947T>C, p.Pro20649= (NM_001256850.1); c.39675T>C, p.Pro13225= (NM_003319.4); c.59166T>C, p.Pro19722= (NM_133378.4); c.40050T>C, p.Pro13350= (NM_133432.3); c.40251T>C, p.Pro13417= (NM_133437.4).
Identifiers: ClinVar variation 516829 (VCV000516829.15), dbSNP rs1024438218, ClinGen allele CA60957952.

ClinVar aggregate classification (germline): Benign/Likely benign. Review status: criteria provided, multiple submitters, no conflicts (2 of 4 stars). 5 submissions from 5 submitters: Benign (1); Likely benign (4). Last evaluated 2026-06-17.

Conditions:
Autosomal recessive limb-girdle muscular dystrophy type 2J (LGMDR10). Also called: Limb-girdle muscular dystrophy, type 2J; MUSCULAR DYSTROPHY, LIMB-GIRDLE, AUTOSOMAL RECESSIVE 10. Identifiers: Orphanet 140922, MedGen C1837342, MONDO:0012127, OMIM 608807.
Dilated cardiomyopathy 1G (CMD1G). Identifiers: Orphanet 154, MedGen C1858763, MONDO:0011400, OMIM 604145.
TTN-related disorder. Also called: TTN-related condition; TTN-related disease; TTN-related disorders.
Cardiovascular phenotype. Identifiers: MedGen CN230736.

Allele frequency attached by ClinVar (database versions not stated): gnomAD exomes 0.00001; gnomAD 0.00007; TOPMed 0.00011.
gnomAD v4.1: 23 of 1,612,772 alleles (0.0014%); highest among the groups gnomAD compares: African/African-American, 0.028%; no homozygotes.

Submissions (5):

PreventionGenetics, part of Exact Sciences
Classification: Likely benign for TTN-related condition. Last evaluated: 2026-06-17. Review status: criteria provided, single submitter. Criteria: ACMG Guidelines, 2015. Collection method: clinical testing. Allele origin: germline.
Comment: This variant is classified as likely benign based on ACMG/AMP sequence variant interpretation guidelines (Richards et al. 2015 PMID: 25741868, with internal and published modifications).

Labcorp Genetics (formerly Invitae), Labcorp
Classification: Likely benign for Dilated cardiomyopathy 1G; Autosomal recessive limb-girdle muscular dystrophy type 2J. Last evaluated: 2025-11-05. Review status: criteria provided, single submitter. Criteria: Invitae Variant Classification Sherloc (09022015). Collection method: clinical testing. Allele origin: germline.

Molecular Diagnostic Laboratory for Inherited Cardiovascular Disease, Montreal Heart Institute
Classification: Likely benign. Last evaluated: 2025-04-09. Review status: criteria provided, single submitter. Criteria: ACMG Guidelines, 2015. Collection method: clinical testing. Allele origin: germline. Affected: no.
Comment: BP6;BP7

Ambry Genetics
Classification: Benign for Cardiovascular phenotype. Last evaluated: 2020-10-23. Review status: criteria provided, single submitter. Criteria: Ambry Variant Classification Scheme 2023. Collection method: clinical testing. Allele origin: germline.

GeneDx
Classification: Likely benign. Last evaluated: 2020-10-02. Review status: criteria provided, single submitter. Criteria: GeneDx Variant Classification Process June 2021. Collection method: clinical testing. Allele origin: germline. Affected: yes.